The following is an entry in ClinVar:

NM_005807.6(PRG4):c.267A>G (p.Gln89=)

Gene: PRG4 (proteoglycan 4; plus strand). Cytogenetic location: 1q31.1.
Variant type: single nucleotide variant.
Coding change: c.267A>G on transcript NM_005807.6 (MANE Select); coding-DNA position 267, A replaced by G.
Protein change: p.Gln89=; no amino-acid change (glutamine 89 retained).
Molecular consequence: synonymous variant.
Genome position (GRCh38, 1-based): chr1:186,301,659, A>G. VCF-style: chr1-186301659-A-G. GRCh37 (hg19) VCF-style: chr1-186270791-A-G.
Other names: c.144A>G, p.Gln48= (NM_001127708.3, NM_001127710.3); c.267A>G, p.Gln89= (NM_001127709.3, NM_001303232.2).
Identifiers: ClinVar variation 2639649 (VCV002639649.25), dbSNP rs144933686, ClinGen allele CA1295789.

ClinVar aggregate classification (germline): Likely benign. Review status: criteria provided, multiple submitters, no conflicts (2 of 4 stars). 2 submissions from 2 submitters: Likely benign (2). Last evaluated 2024-11-18.

Allele frequency attached by ClinVar (database versions not stated): ExAC 0.00014; gnomAD 0.00018; TOPMed 0.00018; ESP Exome Variant Server 0.00077.
gnomAD v4.1: 430 of 1,613,738 alleles (0.027%); highest among the groups gnomAD compares: Non-Finnish European, 0.033%; 1 homozygote.

Submissions (2):

Blueprint Genetics
Classification: Likely benign. Last evaluated: 2024-11-18. Review status: criteria provided, single submitter. Criteria: ACMG Guidelines, 2015. Collection method: clinical testing. Allele origin: germline.

CeGaT Center for Human Genetics Tuebingen
Classification: Likely benign. Last evaluated: 2022-12-01. Review status: criteria provided, single submitter. Criteria: CeGaT Center For Human Genetics Tuebingen Variant Classification Criteria Version 2. Collection method: clinical testing. Allele origin: germline. Affected: yes. Observed: 1 variant allele.
Comment: PRG4: BP4, BP7